The following is an entry in ClinVar:

NM_000324.3(RHAG):c.797A>G (p.Lys266Arg)

Gene: RHAG (Rh associated glycoprotein; minus strand). Cytogenetic location: 6p12.3.
Variant type: single nucleotide variant.
Coding change: c.797A>G on transcript NM_000324.3 (MANE Select); coding-DNA position 797, A replaced by G.
Protein change: p.Lys266Arg; replaces lysine 266 with arginine.
Molecular consequence: missense variant.
Genome position (GRCh38, 1-based): chr6:49,614,697, T>C on the plus strand (A>G on the coding strand, the complement: RHAG is on the minus strand). VCF-style: chr6-49614697-T-C. GRCh37 (hg19) VCF-style: chr6-49582410-T-C.
Other names: short protein forms K266R.
Identifiers: ClinVar variation 2967013 (VCV002967013.5), dbSNP rs753323291, ClinGen allele CA3847829.
Genomic context (GRCh38, chr6:49,614,697, plus strand): 5'-CTGTCAGTGTTGTGAAGCAAAATTTCCATGAGGGCTAAGGCGGCACTTACCATGTTGAGC[T>C]TGCCTCGGTGCTCCACTAGGCTGGAGAAGGCAAAGGCTGTGAGCACACAGGCAGCGAGAG-3'
Protein context (NP_000315.2, residues 256-276): AFSSLVEHRG[Lys266Arg]LNMVHIQNAT

ClinVar aggregate classification (germline): Uncertain significance. Review status: criteria provided, multiple submitters, no conflicts (2 of 4 stars). 3 submissions from 3 submitters: Uncertain significance (3). Last evaluated 2024-02-07.

Allele frequency attached by ClinVar (database versions not stated): ExAC 0.00001; gnomAD 0.00001; gnomAD exomes 0.00001; TOPMed 0.00001.

Submissions (3):

Labcorp Genetics (formerly Invitae), Labcorp
Classification: Uncertain significance. Last evaluated: 2024-02-07. Review status: criteria provided, single submitter. Criteria: Invitae Variant Classification Sherloc (09022015). Collection method: clinical testing. Allele origin: germline.
Comment: This sequence change replaces lysine, which is basic and polar, with arginine, which is basic and polar, at codon 266 of the RHAG protein (p.Lys266Arg). This variant is present in population databases (rs753323291, gnomAD 0.003%). This variant has not been reported in the literature in individuals affected with RHAG-related conditions. Advanced modeling of protein sequence and biophysical properties (such as structural, functional, and spatial information, amino acid conservation, physicochemical variation, residue mobility, and thermodynamic stability) performed at Invitae indicates that this missense variant is not expected to disrupt RHAG protein function with a negative predictive value of 80%. In summary, the available evidence is currently insufficient to determine the role of this variant in disease. Therefore, it has been classified as a Variant of Uncertain Significance.

Revvity Omics, Revvity
Classification: Uncertain significance. Last evaluated: 2024-02-05. Review status: criteria provided, single submitter. Criteria: ACMG Guidelines, 2015. Collection method: clinical testing. Allele origin: germline.

Ambry Genetics
Classification: Uncertain significance. Last evaluated: 2023-11-22. Review status: criteria provided, single submitter. Criteria: Ambry Variant Classification Scheme 2023. Collection method: clinical testing. Allele origin: germline.